The following is an entry in ClinVar:

NM_016151.4(TAOK2):c.3694C>A (p.Pro1232Thr)

Gene: TAOK2 (TAO kinase 2; plus strand). Cytogenetic location: 16p11.2.
Variant type: single nucleotide variant.
Coding change: c.3694C>A on transcript NM_016151.4 (MANE Select); coding-DNA position 3694, C replaced by A.
Protein change: p.Pro1232Thr; replaces proline 1232 with threonine.
Molecular consequence: missense variant. On other transcripts: intron variant (1).
Genome position (GRCh38, 1-based): chr16:29,987,966, C>A. VCF-style: chr16-29987966-C-A. GRCh37 (hg19) VCF-style: chr16-29999287-C-A.
Other names: c.3355C>A, p.Pro1119Thr (NM_001252043.2); c.2232+1462C>A (NM_004783.4); short protein forms P1232T, P1119T.
Identifiers: ClinVar variation 1483743 (VCV001483743.6), dbSNP rs746405927, ClinGen allele CA280401493.

ClinVar aggregate classification (germline): Uncertain significance (1 of 4 stars; one submission).

gnomAD v4.1: 18 of 1,538,146 alleles (0.0012%); highest among the groups gnomAD compares: Non-Finnish European, 0.0015%; no homozygotes.

Submission:

Labcorp Genetics (formerly Invitae), Labcorp
Classification: Uncertain significance. Last evaluated: 2022-12-06. Review status: criteria provided, single submitter. Criteria: Invitae Variant Classification Sherloc (09022015). Collection method: clinical testing. Allele origin: germline.
Comment: In summary, the available evidence is currently insufficient to determine the role of this variant in disease. Therefore, it has been classified as a Variant of Uncertain Significance. Algorithms developed to predict the effect of missense changes on protein structure and function are either unavailable or do not agree on the potential impact of this missense change (SIFT: "Tolerated"; PolyPhen-2: "Probably Damaging"; Align-GVGD: "Class C0"). This sequence change replaces proline, which is neutral and non-polar, with threonine, which is neutral and polar, at codon 1232 of the TAOK2 protein (p.Pro1232Thr). ClinVar contains an entry for this variant (Variation ID: 1483743). This variant has not been reported in the literature in individuals affected with TAOK2-related conditions. This variant is not present in population databases (gnomAD no frequency).